The following is an entry in ClinVar:

NM_004304.5(ALK):c.3784C>T (p.Pro1262Ser)

Gene: ALK (ALK receptor tyrosine kinase; minus strand). Cytogenetic location: 2p23.2.
Variant type: single nucleotide variant.
Coding change: c.3784C>T on transcript NM_004304.5 (MANE Select); coding-DNA position 3784, C replaced by T.
Protein change: p.Pro1262Ser; replaces proline 1262 with serine.
Molecular consequence: missense variant.
Genome position (GRCh38, 1-based): chr2:29,209,838, G>A on the plus strand (C>T on the coding strand, the complement: ALK is on the minus strand). VCF-style: chr2-29209838-G-A. GRCh37 (hg19) VCF-style: chr2-29432704-G-A.
Other names: c.580C>T, p.Pro194Ser (NM_001353765.2); short protein forms P1262S, P194S.
Identifiers: ClinVar variation 1413574 (VCV001413574.8), dbSNP rs774360880, ClinGen allele CA1593782.

ClinVar aggregate classification (germline): Uncertain significance. Review status: criteria provided, multiple submitters, no conflicts (2 of 4 stars). 2 submissions from 2 submitters: Uncertain significance (2). Last evaluated 2024-11-09.

Conditions:
Hereditary cancer-predisposing syndrome. Also called: Hereditary neoplastic syndrome; Neoplastic Syndromes, Hereditary; Hereditary Cancer Syndrome; Tumor predisposition. Identifiers: Orphanet 140162, MedGen C0027672, MeSH D009386, MONDO:0015356.
Neuroblastoma, susceptibility to, 3. Also called: ALK-Related Neuroblastic Tumor Susceptibility. Identifiers: Orphanet 635, MedGen C2751681, MONDO:0013083, OMIM 613014.

Allele frequency attached by ClinVar (database versions not stated): gnomAD exomes below 0.00001; TOPMed below 0.00001; ExAC 0.00001; gnomAD 0.00001.
gnomAD v4.1: 2 of 1,614,022 alleles (0.00012%); highest among the groups gnomAD compares: East Asian, 0.0045%; no homozygotes.

Submissions (2):

Labcorp Genetics (formerly Invitae), Labcorp
Classification: Uncertain significance for Neuroblastoma, susceptibility to, 3. Last evaluated: 2024-11-09. Review status: criteria provided, single submitter. Criteria: Invitae Variant Classification Sherloc (09022015). Collection method: clinical testing. Allele origin: germline.
Comment: This sequence change replaces proline, which is neutral and non-polar, with serine, which is neutral and polar, at codon 1262 of the ALK protein (p.Pro1262Ser). This variant is present in population databases (rs774360880, gnomAD 0.006%). This variant has not been reported in the literature in individuals affected with ALK-related conditions. ClinVar contains an entry for this variant (Variation ID: 1413574). An algorithm developed to predict the effect of missense changes on protein structure and function outputs the following: PolyPhen-2: "Benign". The serine amino acid residue is found in multiple mammalian species, which suggests that this missense change does not adversely affect protein function. In summary, the available evidence is currently insufficient to determine the role of this variant in disease. Therefore, it has been classified as a Variant of Uncertain Significance.

Ambry Genetics
Classification: Uncertain significance for Hereditary cancer-predisposing syndrome. Last evaluated: 2022-02-18. Review status: criteria provided, single submitter. Criteria: Ambry Variant Classification Scheme 2023. Collection method: clinical testing. Allele origin: germline.
Comment: The p.P1262S variant (also known as c.3784C>T), located in coding exon 25 of the ALK gene, results from a C to T substitution at nucleotide position 3784. The proline at codon 1262 is replaced by serine, an amino acid with similar properties. This amino acid position is not well conserved in available vertebrate species. In addition, this alteration is predicted to be tolerated by in silico analysis. Since supporting evidence is limited at this time, the clinical significance of this alteration remains unclear.